The following is an entry in ClinVar:

NM_007294.4(BRCA1):c.70_80+9del

Gene: BRCA1 (BRCA1 DNA repair associated; minus strand). Cytogenetic location: 17q21.31.
Variant type: Deletion.
Coding change: c.70_80+9del on transcript NM_007294.4 (MANE Select); coding-DNA position 70 through 9 bases into the intron after coding-DNA position 80, 20 bases deleted (TGTCCCATCTGGTAAGTCAG).
Molecular consequence: splice donor variant. On other transcripts: intron variant (36).
Genome position (GRCh38, 1-based): chr17:43,124,008-43,124,027, CTGACTTACCAGATGGGACA deleted on the plus strand (TGTCCCATCTGGTAAGTCAG on the coding strand, the reverse complement: BRCA1 is on the minus strand); deleting any 20 consecutive bases within chr17:43,124,008-43,124,029 gives the same sequence; the c. name uses the placement nearest the transcript's 3' end. VCF-style (leftmost placement, unchanged base first): chr17-43124007-GCTGACTTACCAGATGGGACA-G. GRCh37 (hg19) VCF-style: chr17-41276024-GCTGACTTACCAGATGGGACA-G.
Other names: c.70_80+9del (NM_001408444.1, NM_001408438.1, NM_001408430.1 and 192 more transcripts); c.-192_-182+9del (NM_001408465.1, NM_001407695.1); c.-264_-254+9del (NM_001408482.1); c.-217_-207+9del (NM_001407920.1, NM_001407846.1, NM_001407697.1); c.-333_-323+9del (NM_001407696.1); c.-137_-127+9del (NM_001407751.1, NM_001407726.1); c.-238_-228+9del (NM_001407954.1, NM_001408513.1, NM_001407917.1); c.-191_-181+9del (NM_001408504.1, NM_001408463.1, NM_001407847.1 and 22 more transcripts); and 23 more.
Identifiers: ClinVar variation 4071381 (VCV004071381.1).
Genomic context (GRCh38, chr17:43,124,007, plus strand): 5'-TCAATTCTGTTCATTTGCATAGGAGATAATCATAGGAATCCCAAATTAATACACTCTTGT[GCTGACTTACCAGATGGGACA>G]CTCTAAGATTTTCTGCATAGCATTAATGACATTTTGTACTTCTTCAACGCGAAGAGCAGA-3'

ClinVar aggregate classification (germline): Pathogenic (1 of 4 stars; one submission).

Conditions:
Breast-ovarian cancer, familial, susceptibility to, 1 (BROVCA1). Also called: BRCA1 Hereditary Breast and Ovarian Cancer; OVARIAN CANCER, SUSCEPTIBILITY TO. Identifiers: Orphanet 145, MedGen C2676676, MONDO:0011450, OMIM 604370. Disease mechanism: loss of function.

Submission:

Myriad Genetics, Inc.
Classification: Pathogenic for Breast-ovarian cancer, familial, susceptibility to, 1. Last evaluated: 2025-05-01. Review status: criteria provided, single submitter. Criteria: Myriad Autosomal Dominant, Autosomal Recessive and X-Linked Classification Criteria (2023). Collection method: clinical testing. Allele origin: unknown.
Comment: This variant is considered pathogenic. This variant occurs within a consensus splice junction and is predicted to result in abnormal mRNA splicing of either an out-of-frame exon or an in-frame exon necessary for protein stability and/or normal function. Functional studies indicate this variant impacts protein function [PMID: 10026184, 7545954, 20103620]. This variant is expected to disrupt protein structure [PMID:7545954, 10026184, 11573085].

Literature cited by the submitters: PubMed 10026184; PubMed 7545954; PubMed 20103620; PubMed 11573085.